The following is an entry in ClinVar:

ClinVar aggregate classification (germline): Conflicting classifications of pathogenicity. Review status: criteria provided, conflicting classifications (1 of 4 stars). 2 submissions from 2 submitters: Uncertain significance (1); Likely benign (1). Last evaluated 2023-05-28.

Conditions:
Inborn genetic diseases. Identifiers: MedGen C0950123, MeSH D030342.

Allele frequency attached by ClinVar (database versions not stated): ExAC 0.00001; TOPMed 0.00002; gnomAD 0.00003; ESP Exome Variant Server 0.00015.
gnomAD v4.1: 4 of 1,613,694 alleles (0.00025%); highest among the groups gnomAD compares: African/African-American, 0.0053%; no homozygotes.

Submissions (2):

Ambry Genetics
Classification: Likely benign for Inborn genetic diseases. Last evaluated: 2023-05-28. Review status: criteria provided, single submitter. Criteria: Ambry Variant Classification Scheme 2023. Collection method: clinical testing. Allele origin: germline.

Labcorp Genetics (formerly Invitae), Labcorp
Classification: Uncertain significance. Last evaluated: 2022-04-25. Review status: criteria provided, single submitter. Criteria: Invitae Variant Classification Sherloc (09022015). Collection method: clinical testing. Allele origin: germline.
Comment: This sequence change replaces threonine, which is neutral and polar, with alanine, which is neutral and non-polar, at codon 1430 of the LAMC3 protein (p.Thr1430Ala). This variant is present in population databases (rs371411184, gnomAD 0.008%). This variant has not been reported in the literature in individuals affected with LAMC3-related conditions. Algorithms developed to predict the effect of missense changes on protein structure and function output the following: SIFT: "Tolerated"; PolyPhen-2: "Benign"; Align-GVGD: "Class C0". The alanine amino acid residue is found in multiple mammalian species, which suggests that this missense change does not adversely affect protein function. In summary, the available evidence is currently insufficient to determine the role of this variant in disease. Therefore, it has been classified as a Variant of Uncertain Significance.

NM_006059.4(LAMC3):c.4288A>G (p.Thr1430Ala)

Gene: LAMC3 (laminin subunit gamma 3; plus strand). Cytogenetic location: 9q34.12.
Variant type: single nucleotide variant.
Coding change: c.4288A>G on transcript NM_006059.4 (MANE Select); coding-DNA position 4288, A replaced by G.
Protein change: p.Thr1430Ala; replaces threonine 1430 with alanine.
Molecular consequence: missense variant.
Genome position (GRCh38, 1-based): chr9:131,087,533, A>G. VCF-style: chr9-131087533-A-G. GRCh37 (hg19) VCF-style: chr9-133962920-A-G.
Other names: c.4288A>G (NM_006059.3); short protein forms T1430A.
Identifiers: ClinVar variation 1990315 (VCV001990315.3), dbSNP rs371411184, ClinGen allele CA5288119.